The following is an entry in ClinVar:

ClinVar aggregate classification (germline): Uncertain significance (1 of 4 stars; one submission).

Conditions:
Immunodeficiency. Identifiers: MedGen C0021051, MONDO:0021094, HP:0002721.

Submission:

Labcorp Genetics (formerly Invitae), Labcorp
Classification: Uncertain significance for Immunodeficiency. Last evaluated: 2021-06-13. Review status: criteria provided, single submitter. Criteria: Invitae Variant Classification Sherloc (09022015). Collection method: clinical testing. Allele origin: germline.
Comment: This sequence change replaces glutamine with leucine at codon 438 of the NFAT5 protein (p.Gln438Leu). The glutamine residue is highly conserved and there is a moderate physicochemical difference between glutamine and leucine. This variant is not present in population databases (ExAC no frequency). This variant has not been reported in the literature in individuals with NFAT5-related conditions. Algorithms developed to predict the effect of missense changes on protein structure and function (SIFT, PolyPhen-2, Align-GVGD) all suggest that this variant is likely to be disruptive, but these predictions have not been confirmed by published functional studies and their clinical significance is uncertain. In summary, the available evidence is currently insufficient to determine the role of this variant in disease. Therefore, it has been classified as a Variant of Uncertain Significance.

NM_138713.4(NFAT5):c.1595A>T (p.Gln532Leu)

Gene: NFAT5 (nuclear factor of activated T cells 5; plus strand). Cytogenetic location: 16q22.1.
Variant type: single nucleotide variant.
Coding change: c.1595A>T on transcript NM_138713.4 (MANE Select); coding-DNA position 1595, A replaced by T.
Protein change: p.Gln532Leu; replaces glutamine 532 with leucine.
Molecular consequence: missense variant.
Genome position (GRCh38, 1-based): chr16:69,677,240, A>T. VCF-style: chr16-69677240-A-T. GRCh37 (hg19) VCF-style: chr16-69711143-A-T.
Other names: c.1595A>T, p.Gln532Leu (NM_001113178.3); c.923A>T, p.Gln308Leu (NM_001367709.1); c.1541A>T, p.Gln514Leu (NM_006599.4); c.1313A>T, p.Gln438Leu (NM_138714.4, NM_173214.3, NM_173215.3); short protein forms Q438L, Q308L, Q514L, Q532L.
Identifiers: ClinVar variation 1402660 (VCV001402660.8), dbSNP rs758346739, ClinGen allele CA396499077.